The following is an entry in ClinVar:

ClinVar aggregate classification (germline): Uncertain significance. Review status: criteria provided, multiple submitters, no conflicts (2 of 4 stars). 2 submissions from 2 submitters: Uncertain significance (2). Last evaluated 2024-11-14.

gnomAD v4.1: 1 of 1,610,972 alleles (0.000062%); highest among the groups gnomAD compares: Non-Finnish European, 0.000085%; no homozygotes.

Submissions (2):

Ambry Genetics
Classification: Uncertain significance. Last evaluated: 2024-11-14. Review status: criteria provided, single submitter. Criteria: Ambry Variant Classification Scheme 2023. Collection method: clinical testing. Allele origin: germline.

Labcorp Genetics (formerly Invitae), Labcorp
Classification: Uncertain significance. Last evaluated: 2024-04-22. Review status: criteria provided, single submitter. Criteria: Invitae Variant Classification Sherloc (09022015). Collection method: clinical testing. Allele origin: germline.
Comment: This sequence change replaces valine, which is neutral and non-polar, with alanine, which is neutral and non-polar, at codon 12 of the IFNAR1 protein (p.Val12Ala). This variant is not present in population databases (gnomAD no frequency). This variant has not been reported in the literature in individuals affected with IFNAR1-related conditions. An algorithm developed to predict the effect of missense changes on protein structure and function (PolyPhen-2) suggests that this variant is likely to be tolerated. In summary, the available evidence is currently insufficient to determine the role of this variant in disease. Therefore, it has been classified as a Variant of Uncertain Significance.

NM_000629.3(IFNAR1):c.35T>C (p.Val12Ala)

Genes: IFNAR1 (interferon alpha and beta receptor subunit 1; plus strand), LOC119230225 (IFNAR1 promoter region; plus strand). Cytogenetic location: 21q22.11.
Variant type: single nucleotide variant.
Coding change: c.35T>C on transcript NM_000629.3 (MANE Select); coding-DNA position 35, T replaced by C.
Protein change: p.Val12Ala; replaces valine 12 with alanine.
Molecular consequence: missense variant. On other transcripts: 5 prime UTR variant (2), intron variant (1).
Genome position (GRCh38, 1-based): chr21:33,325,090, T>C. VCF-style: chr21-33325090-T-C. GRCh37 (hg19) VCF-style: chr21-34697395-T-C.
Other names: c.35T>C, p.Val12Ala (NM_001384498.1, NM_001384499.1, NM_001384501.1 and 1 more transcripts); c.-752T>C (NM_001384500.1); c.-349T>C (NM_001384502.1); c.-132+452T>C (NM_001384504.1); short protein forms V12A.
Identifiers: ClinVar variation 3527797 (VCV003527797.3).
Genomic context (GRCh38, chr21:33,325,090, plus strand): 5'-CTGGTGGGATCTGCGGCGGCTCCCAGATGATGGTCGTCCTCCTGGGCGCGACGACCCTAG[T>C]GCTCGTCGCCGTGGCGCCATGGGTGTTGTCCGCAGCCGCAGGTGAGAGGCGGGGAGGAGA-3'
Protein context (NP_000620.2, residues 2-22): MVVLLGATTL[Val12Ala]LVAVAPWVLS